The following is an entry in ClinVar:

NM_001844.5(COL2A1):c.3598-2A>G

Gene: COL2A1 (collagen type II alpha 1 chain; minus strand). Cytogenetic location: 12q13.11.
Variant type: single nucleotide variant.
Coding change: c.3598-2A>G on transcript NM_001844.5 (MANE Select); the canonical splice acceptor site of the intron before coding-DNA position 3598, A replaced by G.
Molecular consequence: splice acceptor variant.
Genome position (GRCh38, 1-based): chr12:47,975,607, T>C on the plus strand (A>G on the coding strand, the complement: COL2A1 is on the minus strand). VCF-style: chr12-47975607-T-C. GRCh37 (hg19) VCF-style: chr12-48369390-T-C.
Other names: c.3391-2A>G (NM_033150.3).
Identifiers: ClinVar variation 1488722 (VCV001488722.8), dbSNP rs2136512643, ClinGen allele CA384537245.

ClinVar aggregate classification (germline): Pathogenic/Likely pathogenic. Review status: criteria provided, multiple submitters, no conflicts (2 of 4 stars). 3 submissions from 3 submitters: Pathogenic (1); Likely pathogenic (2). Last evaluated 2025-04-24.

Conditions:
COL2A1-related disorder. Also called: COL2A1-related condition; COL2A1-related disorders.
Stickler syndrome. Identifiers: Orphanet 828, MedGen C0265253, MONDO:0019354.

Submissions (3):

Cambridge Genomics Laboratory, East Genomic Laboratory Hub, NHS Genomic Medicine Service
Classification: Pathogenic for Stickler syndrome. Last evaluated: 2025-04-24. Review status: criteria provided, single submitter. Criteria: ACGS Best Practice Guidelines for Variant Classification in Rare Disease 2020. Collection method: clinical testing. Allele origin: germline. Affected: yes.
Comment: PVS1,PS4_Supporting,PM2

Blueprint Genetics
Classification: Likely pathogenic for COL2A1-related disorders. Last evaluated: 2023-09-21. Review status: criteria provided, single submitter. Criteria: ACMG Guidelines, 2015. Collection method: clinical testing. Allele origin: germline. Affected: yes. Observed: 1 variant allele.

Labcorp Genetics (formerly Invitae), Labcorp
Classification: Likely pathogenic. Last evaluated: 2021-09-04. Review status: criteria provided, single submitter. Criteria: Invitae Variant Classification Sherloc (09022015). Collection method: clinical testing. Allele origin: germline.
Comment: In summary, the currently available evidence indicates that the variant is pathogenic, but additional data are needed to prove that conclusively. Therefore, this variant has been classified as Likely Pathogenic. Algorithms developed to predict the effect of sequence changes on RNA splicing suggest that this variant may disrupt the consensus splice site. This variant has not been reported in the literature in individuals affected with COL2A1-related conditions. This variant is not present in population databases (ExAC no frequency). This sequence change affects an acceptor splice site in intron 50 of the COL2A1 gene. It is expected to disrupt RNA splicing. Variants that disrupt the donor or acceptor splice site typically lead to a loss of protein function (PMID: 16199547), and loss-of-function variants in COL2A1 are known to be pathogenic (PMID: 20179744).

Literature cited by the submitters: PubMed 16199547 (cited by Labcorp Genetics (formerly Invitae), Labcorp); PubMed 20179744 (cited by Labcorp Genetics (formerly Invitae), Labcorp).